The following is an entry in ClinVar:

NM_000059.4(BRCA2):c.8590G>T (p.Ala2864Ser)

Gene: BRCA2 (BRCA2 DNA repair associated; plus strand). Cytogenetic location: 13q13.1.
Variant type: single nucleotide variant.
Coding change: c.8590G>T on transcript NM_000059.4 (MANE Select); coding-DNA position 8590, G replaced by T.
Protein change: p.Ala2864Ser; replaces alanine 2864 with serine.
Molecular consequence: missense variant.
Genome position (GRCh38, 1-based): chr13:32,371,058, G>T. VCF-style: chr13-32371058-G-T. GRCh37 (hg19) VCF-style: chr13-32945195-G-T.
Other names: short protein forms A2864S.
Identifiers: ClinVar variation 1469648 (VCV001469648.8), dbSNP rs1331784222, ClinGen allele CA387752858.

ClinVar aggregate classification (germline): Uncertain significance (1 of 4 stars; one submission).

Conditions:
Hereditary breast ovarian cancer syndrome. Also called: BRCA1- and BRCA2-Associated Hereditary Breast and Ovarian Cancer; Hereditary breast and ovarian cancer; Hereditary breast and ovarian cancer syndrome; Hereditary breast and ovarian cancer syndrome (HBOC); Breast and ovarian cancer; Hereditary breast and/or ovarian cancer syndrome. Identifiers: Orphanet 145, MedGen C0677776, MeSH D061325, MONDO:0003582. Disease mechanism: loss of function.

Allele frequency attached by ClinVar (database versions not stated): TOPMed below 0.00001; gnomAD 0.00001.
gnomAD v4.1: 1 of 1,613,972 alleles (0.000062%); highest among the groups gnomAD compares: Non-Finnish European, 0.000085%; no homozygotes.

Submission:

Labcorp Genetics (formerly Invitae), Labcorp
Classification: Uncertain significance for Hereditary breast ovarian cancer syndrome. Last evaluated: 2025-10-02. Review status: criteria provided, single submitter. Criteria: Invitae Variant Classification Sherloc (09022015). Collection method: clinical testing. Allele origin: germline.
Comment: This sequence change replaces alanine, which is neutral and non-polar, with serine, which is neutral and polar, at codon 2864 of the BRCA2 protein (p.Ala2864Ser). This variant is not present in population databases (gnomAD no frequency). This variant has not been reported in the literature in individuals affected with BRCA2-related conditions. ClinVar contains an entry for this variant (Variation ID: 1469648). Invitae Evidence Modeling of protein sequence and biophysical properties (such as structural, functional, and spatial information, amino acid conservation, physicochemical variation, residue mobility, and thermodynamic stability) indicates that this missense variant is not expected to disrupt BRCA2 protein function with a negative predictive value of 95%. In summary, the available evidence is currently insufficient to determine the role of this variant in disease. Therefore, it has been classified as a Variant of Uncertain Significance.